The following is an entry in ClinVar:

ClinVar aggregate classification (germline): Benign. Review status: reviewed by expert panel (3 of 4 stars). 2 submissions from 2 submitters: Benign (1). 1 of the submissions does not count toward it. Last evaluated 2023-08-10.

Conditions:
CDH1-related diffuse gastric and lobular breast cancer syndrome. Also called: CDH1-related diffuse gastric and lobular breast cancer. Identifiers: MedGen CN311521, MONDO:0100488.
Hereditary diffuse gastric adenocarcinoma (HDGC). Also called: DIFFUSE GASTRIC AND LOBULAR BREAST CANCER SYNDROME. Identifiers: Orphanet 26106, MedGen C1708349, MONDO:0007648, OMIM 137215.

Allele frequency attached by ClinVar (database versions not stated): 1000 Genomes Project 0.01597; TOPMed 0.01660; 1000 Genomes Project 30x 0.01718.
gnomAD v4.1: 2,415 of 235,602 alleles (1%); highest among the groups gnomAD compares: African/African-American, 4.9%; 56 homozygotes.

Submissions (2):

Clingen Gastric Cancer Variant Curation Expert Panel
Classification: Benign for CDH1-related diffuse gastric and lobular breast cancer syndrome. Last evaluated: 2023-08-10. Review status: reviewed by expert panel. Criteria: ClinGen CDH1 ACMG Specifications V3.1. Collection method: curation. Allele origin: germline. Inheritance: Autosomal dominant inheritance.
Comment: The NM_004360.5(CDH1):c.*1176T>G variant has an allele frequency of 0.04739 (4.739%, 413/8714 alleles, 12 homozygotes) in the African subpopulation of the gnomAD v2.1.1 cohort (BA1; BP2). Therefore, this variant meets criteria to be classified as benign. ACMG/AMP criteria applied, as specified by the CDH1 Variant Curation Expert Panel (Variant Interpretation Guidelines Version 3.1): BA1, BP2.

Illumina Laboratory Services, Illumina
Classification: Benign for Hereditary diffuse gastric adenocarcinoma. Last evaluated: 2018-01-13. Review status: criteria provided, single submitter. Criteria: ICSL Variant Classification Criteria 13 December 2019. Collection method: clinical testing. Allele origin: germline. Not counted in ClinVar's aggregate classification.
Comment: This variant was observed in the ICSL laboratory as part of a predisposition screen in an ostensibly healthy population. It had not been previously curated by ICSL or reported in the Human Gene Mutation Database (HGMD: prior to June 1st, 2018), and was therefore a candidate for classification through an automated scoring system. Utilizing variant allele frequency, disease prevalence and penetrance estimates, and inheritance mode, an automated score was calculated to assess if this variant is too frequent to cause the disease. Based on the score and internal cut-off values, a variant classified as benign is not then subjected to further curation. The score for this variant resulted in a classification of benign for this disease.

NM_004360.5(CDH1):c.*1176T>G

Gene: CDH1 (cadherin 1; plus strand). Cytogenetic location: 16q22.1.
Variant type: single nucleotide variant.
Coding change: c.*1176T>G on transcript NM_004360.5 (MANE Select); 1176 bases downstream of the stop codon, T replaced by G.
Molecular consequence: 3 prime UTR variant.
Genome position (GRCh38, 1-based): chr16:68,834,675, T>G. VCF-style: chr16-68834675-T-G. GRCh37 (hg19) VCF-style: chr16-68868578-T-G.
Other names: c.*1176T>G (LRG_301t1, NM_001317184.2, NM_001317185.2 and 1 more transcripts).
Identifiers: ClinVar variation 320292 (VCV000320292.8), dbSNP rs9282654, ClinGen allele CA10648801.
Genomic context (GRCh38, chr16:68,834,675, plus strand): 5'-AGTTTGTGTCTTTGTCTGGCCACATCTTGACTAGGTATTGTCTACTCTGAAGACCTTTAA[T>G]GGCTTCCCTCTTTCATCTCCTGAGTATGTAACTTGCAATGGGCAGCTATCCAGTGACTTG-3'